The following is an entry in ClinVar:

ClinVar aggregate classification (germline): Uncertain significance (1 of 4 stars; one submission).

Conditions:
Mitochondrial DNA depletion syndrome 13. Also called: FBXL4-Related Encephalomyopathic Mitochondrial DNA Depletion Syndrome; Mitochondrial DNA depletion syndrome 13 (encephalomyopathic type). Identifiers: Orphanet 369897, MedGen C3809592, MONDO:0014198, OMIM 615471.

Allele frequency attached by ClinVar (database versions not stated): gnomAD exomes below 0.00001; TOPMed below 0.00001; ExAC 0.00001; gnomAD 0.00001; 1000 Genomes Project 30x 0.00016; 1000 Genomes Project 0.00020.

Submission:

Wong Mito Lab, Molecular and Human Genetics, Baylor College of Medicine
Classification: Uncertain significance for Mitochondrial DNA depletion syndrome 13. Last evaluated: 2017-08-10. Review status: criteria provided, single submitter. Criteria: ACMG Guidelines, 2015. Collection method: reference population. Allele origin: germline.
Comment: The NM_012160.4:c.749C>T (NP_036292.2:p.Ala250Val) [GRCH38: NC_000006.12:g.98917483G>A] variant in FBXL4 gene is interpretated to be a Uncertain Significance - Insufficient Evidence based on ACMG guidelines (PMID: 25741868). This variant meets one or more of the following evidence codes reported in the ACMG-guideline. PM2:This variant is absent in key population databases. Based on this evidence code ClinGen Pathogenicity Calculator (PMID:28081714) suggested that the variant is Uncertain Significance - Insufficient Evidence.

NM_001278716.2(FBXL4):c.749C>T (p.Ala250Val)

Gene: FBXL4 (F-box and leucine rich repeat protein 4; minus strand). Cytogenetic location: 6q16.2.
Variant type: single nucleotide variant.
Coding change: c.749C>T on transcript NM_001278716.2 (MANE Select); coding-DNA position 749, C replaced by T.
Protein change: p.Ala250Val; replaces alanine 250 with valine.
Molecular consequence: missense variant.
Genome position (GRCh38, 1-based): chr6:98,917,483, G>A on the plus strand (C>T on the coding strand, the complement: FBXL4 is on the minus strand). VCF-style: chr6-98917483-G-A. GRCh37 (hg19) VCF-style: chr6-99365359-G-A.
Other names: c.749C>T, p.Ala250Val (NM_012160.5); short protein forms A250V.
Identifiers: ClinVar variation 437630 (VCV000437630.1), dbSNP rs557769001, ClinGen allele CA3933622.